The following is an entry in ClinVar:

ClinVar aggregate classification (germline): Uncertain significance. Review status: criteria provided, multiple submitters, no conflicts (2 of 4 stars). 2 submissions from 2 submitters: Uncertain significance (2). Last evaluated 2024-06-11.

Allele frequency attached by ClinVar (database versions not stated): gnomAD exomes below 0.00001 and 0.00001; TOPMed below 0.00001.
gnomAD v4.1: 1 of 1,613,676 alleles (0.000062%); highest among the groups gnomAD compares: Non-Finnish European, 0.000085%; no homozygotes.

Submissions (2):

GeneDx
Classification: Uncertain significance. Last evaluated: 2024-06-11. Review status: criteria provided, single submitter. Criteria: GeneDx Variant Classification Process June 2021. Collection method: clinical testing. Allele origin: germline. Affected: yes.
Comment: Not observed at significant frequency in large population cohorts (gnomAD); In silico analysis supports that this missense variant has a deleterious effect on protein structure/function; Has not been previously published as pathogenic or benign to our knowledge

CeGaT Center for Human Genetics Tuebingen
Classification: Uncertain significance. Last evaluated: 2019-06-01. Review status: criteria provided, single submitter. Criteria: CeGaT Center For Human Genetics Tuebingen Variant Classification Criteria Version 2. Collection method: clinical testing. Allele origin: germline. Affected: yes. Observed: 3 variant alleles.

NM_000501.4(ELN):c.280G>C (p.Gly94Arg)

Gene: ELN (elastin; plus strand). Cytogenetic location: 7q11.23.
Variant type: single nucleotide variant.
Coding change: c.280G>C on transcript NM_000501.4 (MANE Select); coding-DNA position 280, G replaced by C.
Protein change: p.Gly94Arg; replaces glycine 94 with arginine.
Molecular consequence: missense variant.
Genome position (GRCh38, 1-based): chr7:74,042,661, G>C. VCF-style: chr7-74042661-G-C. GRCh37 (hg19) VCF-style: chr7-73456991-G-C.
Other names: c.250G>C, p.Gly84Arg (NM_001081752.3, NM_001278914.2, NM_001278917.2 and 1 more transcripts); c.280G>C, p.Gly94Arg (NM_001081753.3, NM_001081754.3, NM_001081755.3 and 4 more transcripts); c.244G>C, p.Gly82Arg (NM_001278913.2); c.280G>C (NM_000501.2); short protein forms G84R, G82R, G94R.
Identifiers: ClinVar variation 810101 (VCV000810101.42), dbSNP rs1554669275, ClinGen allele CA367869237.